The following is an entry in ClinVar:

ClinVar aggregate classification (germline): Uncertain significance (1 of 4 stars; one submission).

Conditions:
Congenital contractural arachnodactyly (CCA). Also called: BEALS SYNDROME; Beals-Hecht syndrome; Arthrogryposis, distal, type 9. Identifiers: Orphanet 115, MedGen C0220668, MONDO:0007363, OMIM 121050.

Allele frequency attached by ClinVar (database versions not stated): TOPMed below 0.00001.

Submission:

Labcorp Genetics (formerly Invitae), Labcorp
Classification: Uncertain significance for Congenital contractural arachnodactyly. Last evaluated: 2021-09-29. Review status: criteria provided, single submitter. Criteria: Invitae Variant Classification Sherloc (09022015). Collection method: clinical testing. Allele origin: germline.
Comment: This sequence change replaces isoleucine with methionine at codon 497 of the FBN2 protein (p.Ile497Met). The isoleucine residue is moderately conserved and there is a small physicochemical difference between isoleucine and methionine. This variant is not present in population databases (ExAC no frequency). This variant has not been reported in the literature in individuals affected with FBN2-related conditions. Advanced modeling of protein sequence and biophysical properties (such as structural, functional, and spatial information, amino acid conservation, physicochemical variation, residue mobility, and thermodynamic stability) performed at Invitae indicates that this missense variant is not expected to disrupt FBN2 protein function. In summary, the available evidence is currently insufficient to determine the role of this variant in disease. Therefore, it has been classified as a Variant of Uncertain Significance.

NM_001999.4(FBN2):c.1491C>G (p.Ile497Met)

Gene: FBN2 (fibrillin 2; minus strand). Cytogenetic location: 5q23.3.
Variant type: single nucleotide variant.
Coding change: c.1491C>G on transcript NM_001999.4 (MANE Select); coding-DNA position 1491, C replaced by G.
Protein change: p.Ile497Met; replaces isoleucine 497 with methionine.
Molecular consequence: missense variant.
Genome position (GRCh38, 1-based): chr5:128,392,130, G>C on the plus strand (C>G on the coding strand, the complement: FBN2 is on the minus strand). VCF-style: chr5-128392130-G-C. GRCh37 (hg19) VCF-style: chr5-127727823-G-C.
Other names: short protein forms I497M.
Identifiers: ClinVar variation 1357604 (VCV001357604.6), dbSNP rs1158937805, ClinGen allele CA360748047.